The following is an entry in ClinVar:

NM_024312.5(GNPTAB):c.3434+1G>A

Gene: GNPTAB (N-acetylglucosamine-1-phosphate transferase subunits alpha and beta; minus strand). Cytogenetic location: 12q23.2.
Variant type: single nucleotide variant.
Coding change: c.3434+1G>A on transcript NM_024312.5 (MANE Select); the canonical splice donor site of the intron after coding-DNA position 3434, G replaced by A.
Molecular consequence: splice donor variant.
Genome position (GRCh38, 1-based): chr12:101,757,211, C>T on the plus strand (G>A on the coding strand, the complement: GNPTAB is on the minus strand). VCF-style: chr12-101757211-C-T. GRCh37 (hg19) VCF-style: chr12-102150989-C-T.
Other names: AY687932:c.3434+1G>A.
Identifiers: ClinVar variation 38426 (VCV000038426.3), dbSNP rs281865036, ClinGen allele CA343078.
Genomic context (GRCh38, chr12:101,757,211, plus strand): 5'-TTTCCAGTCCTTTTATTCAGGTTTATTTGCATAATTAAAAATTATATATAAAAATCAGTA[C>T]CTAGGGTTTTTTCTTATGTCATCCAACTGGCCAACCACATGAGAAACGTTGGTACGAATC-3'

ClinVar aggregate classification (germline): Pathogenic (0 of 4 stars; one submission).

Conditions:
Mucolipidosis type II. Also called: Mucolipidosis 2; ML 2; Inclusion cell disease; Leroy Disease; N-acetylglucosamine 1phosphotransferase deficiency; ML disorder type 2. Identifiers: Orphanet 576, MedGen C2673377, MONDO:0009650, OMIM 252500.

Allele frequency attached by ClinVar (database versions not stated): gnomAD exomes below 0.00001.
gnomAD v4.1: 1 of 1,490,828 alleles (0.000067%); highest among the groups gnomAD compares: South Asian, 0.0011%; no homozygotes.

Submission:

GeneReviews
Classification: Pathogenic for Mucolipidosis III Alpha/Beta. Last evaluated: 2012-05-10. Review status: no assertion criteria provided. Collection method: curation. Allele origin: unknown.
ClinVar note: Converted during submission from pathologic to Pathogenic.